The following is an entry in ClinVar:

NM_014712.3(SETD1A):c.154_155del (p.Ser52fs)

Gene: SETD1A (SET domain containing 1A, histone lysine methyltransferase; plus strand). Cytogenetic location: 16p11.2.
Variant type: Deletion.
Coding change: c.154_155del on transcript NM_014712.3 (MANE Select); coding-DNA positions 154 to 155, 2 bases deleted (TC; older notation c.154_155delTC).
Protein change: p.Ser52fs; shifts the reading frame from serine 52.
Molecular consequence: frameshift variant.
Genome position (GRCh38, 1-based): chr16:30,959,094-30,959,095, TC deleted; deleting any 2 consecutive bases within chr16:30,959,093-30,959,095 gives the same sequence; the c. name uses the placement nearest the transcript's 3' end. VCF-style (leftmost placement, unchanged base first): chr16-30959092-ACT-A. GRCh37 (hg19) VCF-style: chr16-30970413-ACT-A.
Other names: short protein forms S52fs.
Identifiers: ClinVar variation 3160576 (VCV003160576.1), dbSNP rs2543833528, ClinGen allele CA2825002437.

ClinVar aggregate classification (germline): Pathogenic (1 of 4 stars; one submission).

Conditions:
Inborn genetic diseases. Identifiers: MedGen C0950123, MeSH D030342.

Submission:

Ambry Genetics
Classification: Pathogenic for Inborn genetic diseases. Last evaluated: 2023-12-04. Review status: criteria provided, single submitter. Criteria: Ambry Variant Classification Scheme 2023. Collection method: clinical testing. Allele origin: germline.
Comment: The c.154_155delTC (p.S52Kfs*28) alteration, located in exon 3 (coding exon 2) of the SETD1A gene, consists of a deletion of 2 nucleotides from position 154 to 155, causing a translational frameshift with a predicted alternate stop codon after 28 amino acids. This alteration is expected to result in loss of function by premature protein truncation or nonsense-mediated mRNA decay. This variant was not reported in population-based cohorts in the Genome Aggregation Database (gnomAD). Based on the available evidence, this alteration is classified as pathogenic.